The following is an entry in ClinVar:

ClinVar aggregate classification (germline): Uncertain significance (1 of 4 stars; one submission).

Conditions:
Familial cold autoinflammatory syndrome 2 (FCAS2). Identifiers: Orphanet 247868, MedGen C2673198, MONDO:0012724, OMIM 611762.

Allele frequency attached by ClinVar (database versions not stated): TOPMed below 0.00001; gnomAD 0.00001.

Submission:

Labcorp Genetics (formerly Invitae), Labcorp
Classification: Uncertain significance for Familial cold autoinflammatory syndrome 2. Last evaluated: 2023-05-09. Review status: criteria provided, single submitter. Criteria: Invitae Variant Classification Sherloc (09022015). Collection method: clinical testing. Allele origin: germline.
Comment: In summary, the available evidence is currently insufficient to determine the role of this variant in disease. Therefore, it has been classified as a Variant of Uncertain Significance. Advanced modeling of protein sequence and biophysical properties (such as structural, functional, and spatial information, amino acid conservation, physicochemical variation, residue mobility, and thermodynamic stability) performed at Invitae indicates that this missense variant is not expected to disrupt NLRP12 protein function. This variant has not been reported in the literature in individuals affected with NLRP12-related conditions. This variant is present in population databases (no rsID available, gnomAD 0.0009%). This sequence change replaces leucine, which is neutral and non-polar, with valine, which is neutral and non-polar, at codon 289 of the NLRP12 protein (p.Leu289Val).

NM_144687.4(NLRP12):c.865C>G (p.Leu289Val)

Gene: NLRP12 (NLR family pyrin domain containing 12; minus strand). Cytogenetic location: 19q13.42.
Variant type: single nucleotide variant.
Coding change: c.865C>G on transcript NM_144687.4 (MANE Select); coding-DNA position 865, C replaced by G.
Protein change: p.Leu289Val; replaces leucine 289 with valine.
Molecular consequence: missense variant.
Genome position (GRCh38, 1-based): chr19:53,810,794, G>C on the plus strand (C>G on the coding strand, the complement: NLRP12 is on the minus strand). VCF-style: chr19-53810794-G-C. GRCh37 (hg19) VCF-style: chr19-54314048-G-C.
Other names: c.865C>G, p.Leu289Val (NM_001277126.2, NM_001277129.1); short protein forms L289V.
Identifiers: ClinVar variation 2891534 (VCV002891534.3), dbSNP rs1394869371, ClinGen allele CA407415637.